The following is an entry in ClinVar:

ClinVar aggregate classification (germline): Likely pathogenic (1 of 4 stars; one submission).

Conditions:
Early-infantile DEE. Also called: Early infantile epileptic encephalopathy; Early infantile epileptic encephalopathy with suppression bursts; Ohtahara syndrome. Identifiers: Orphanet 1934, MedGen C0393706, MONDO:0800491.

Submission:

Labcorp Genetics (formerly Invitae), Labcorp
Classification: Likely pathogenic for Early-infantile DEE. Last evaluated: 2024-03-17. Review status: criteria provided, single submitter. Criteria: Invitae Variant Classification Sherloc (09022015). Collection method: clinical testing. Allele origin: germline.
Comment: This sequence change replaces glutamic acid, which is acidic and polar, with alanine, which is neutral and non-polar, at codon 140 of the KCNQ2 protein (p.Glu140Ala). This variant is not present in population databases (gnomAD no frequency). This variant has not been reported in the literature in individuals affected with KCNQ2-related conditions. ClinVar contains an entry for this variant (Variation ID: 1509652). Advanced modeling of protein sequence and biophysical properties (such as structural, functional, and spatial information, amino acid conservation, physicochemical variation, residue mobility, and thermodynamic stability) performed at Invitae indicates that this missense variant is expected to disrupt KCNQ2 protein function with a positive predictive value of 95%. This variant disrupts the p.Glu140 amino acid residue in KCNQ2. Other variant(s) that disrupt this residue have been determined to be pathogenic (PMID: 31295832). This suggests that this residue is clinically significant, and that variants that disrupt this residue are likely to be disease-causing. In summary, the currently available evidence indicates that the variant is pathogenic, but additional data are needed to prove that conclusively. Therefore, this variant has been classified as Likely Pathogenic.

Literature cited by the submitters: PubMed 31295832.

NM_172107.4(KCNQ2):c.419A>C (p.Glu140Ala)

Gene: KCNQ2 (potassium voltage-gated channel subfamily Q member 2; minus strand). Cytogenetic location: 20q13.33.
Variant type: single nucleotide variant.
Coding change: c.419A>C on transcript NM_172107.4 (MANE Select); coding-DNA position 419, A replaced by C.
Protein change: p.Glu140Ala; replaces glutamic acid 140 with alanine.
Molecular consequence: missense variant.
Genome position (GRCh38, 1-based): chr20:63,445,333, T>G on the plus strand (A>C on the coding strand, the complement: KCNQ2 is on the minus strand). VCF-style: chr20-63445333-T-G. GRCh37 (hg19) VCF-style: chr20-62076686-T-G.
Other names: c.419A>C, p.Glu140Ala (NM_001382235.1, NM_004518.6, NM_172106.3 and 2 more transcripts); short protein forms E140A.
Identifiers: ClinVar variation 1509652 (VCV001509652.7), dbSNP rs2145779552, ClinGen allele CA409655517.